The following is an entry in ClinVar:

ClinVar aggregate classification (germline): Benign/Likely benign. Review status: criteria provided, multiple submitters, no conflicts (2 of 4 stars). 5 submissions from 5 submitters: Benign (1); Likely benign (4). Last evaluated 2024-09-01.

Conditions:
Familial cancer of breast. Also called: Hereditary breast cancer; BREAST CANCER, FAMILIAL; hereditary breast carcinoma. Identifiers: Orphanet 227535, MedGen C0346153, MONDO:0016419, OMIM 114480. Disease mechanism: loss of function.
Ataxia-telangiectasia syndrome (AT). Also called: Ataxia telangiectasia (A-T); ATAXIA-TELANGIECTASIA, COMPLEMENTATION GROUP A; ATAXIA-TELANGIECTASIA, FRESNO VARIANT; Ataxia-telangiectasia; Ataxia-telangiectasia, complementation group E; Cerebello-oculocutaneous telangiectasia. Identifiers: Orphanet 100, MedGen C0004135, MONDO:0008840, OMIM 208900.
Hereditary cancer-predisposing syndrome. Also called: Tumor predisposition; Hereditary Cancer Syndrome; Hereditary neoplastic syndrome; Neoplastic Syndromes, Hereditary. Identifiers: Orphanet 140162, MedGen C0027672, MeSH D009386, MONDO:0015356.

gnomAD v4.1: 1 of 1,614,028 alleles (0.000062%); no homozygotes.

Submissions (5):

CeGaT Center for Human Genetics Tuebingen
Classification: Likely benign. Last evaluated: 2024-09-01. Review status: criteria provided, single submitter. Criteria: CeGaT Center For Human Genetics Tuebingen Variant Classification Criteria Version 2. Collection method: clinical testing. Allele origin: germline. Affected: yes. Observed: 1 variant allele.
Comment: ATM: BP4, BP7

Myriad Genetics, Inc.
Classification: Benign for Familial cancer of breast. Last evaluated: 2024-05-21. Review status: criteria provided, single submitter. Criteria: Myriad Autosomal Dominant, Autosomal Recessive and X-Linked Classification Criteria (2023). Collection method: clinical testing. Allele origin: unknown.
Comment: This variant is considered benign. This variant is a silent/synonymous amino acid change and it is not expected to impact splicing.

Labcorp Genetics (formerly Invitae), Labcorp
Classification: Likely benign for Ataxia-telangiectasia syndrome. Last evaluated: 2024-03-27. Review status: criteria provided, single submitter. Criteria: Invitae Variant Classification Sherloc (09022015). Collection method: clinical testing. Allele origin: germline.

Ambry Genetics
Classification: Likely benign for Hereditary cancer-predisposing syndrome. Last evaluated: 2018-08-20. Review status: criteria provided, single submitter. Criteria: Ambry Variant Classification Scheme 2023. Collection method: clinical testing. Allele origin: germline.

GeneDx
Classification: Likely benign. Last evaluated: 2016-02-24. Review status: criteria provided, single submitter. Criteria: GeneDx Variant Classification (06012015). Collection method: clinical testing. Allele origin: germline. Affected: yes.
Comment: This variant is considered likely benign or benign based on one or more of the following criteria: it is a conservative change, it occurs at a poorly conserved position in the protein, it is predicted to be benign by multiple in silico algorithms, and/or has population frequency not consistent with disease.

NM_000051.4(ATM):c.4860A>G (p.Gln1620=)

Gene: ATM (ATM serine/threonine kinase; plus strand). Cytogenetic location: 11q22.3.
Variant type: single nucleotide variant.
Coding change: c.4860A>G on transcript NM_000051.4 (MANE Select); coding-DNA position 4860, A replaced by G.
Protein change: p.Gln1620=; no amino-acid change (glutamine 1620 retained).
Molecular consequence: synonymous variant.
Genome position (GRCh38, 1-based): chr11:108,295,010, A>G. VCF-style: chr11-108295010-A-G. GRCh37 (hg19) VCF-style: chr11-108165737-A-G.
Other names: c.4860A>G, p.Gln1620= (NM_001351834.2).
Identifiers: ClinVar variation 378984 (VCV000378984.29), dbSNP rs1057520446, ClinGen allele CA16606087.